The following is an entry in ClinVar:

NM_003055.3(SLC18A3):c.1265C>A (p.Ala422Asp)

Genes: CHAT (choline O-acetyltransferase; plus strand), SLC18A3 (solute carrier family 18 member A3; plus strand). Cytogenetic location: 10q11.23.
Variant type: single nucleotide variant.
Coding change: c.1265C>A on transcript NM_003055.3 (MANE Select); coding-DNA position 1265, C replaced by A.
Protein change: p.Ala422Asp; replaces alanine 422 with aspartic acid.
Molecular consequence: missense variant. On other transcripts: intron variant (1).
Genome position (GRCh38, 1-based): chr10:49,612,005, C>A. VCF-style: chr10-49612005-C-A. GRCh37 (hg19) VCF-style: chr10-50820051-C-A.
Other names: c.-69+2806C>A (NM_020984.4); short protein forms A422D.
Identifiers: ClinVar variation 4993559 (VCV004993559.1).

ClinVar aggregate classification (germline): Uncertain significance (1 of 4 stars; one submission).

Conditions:
SLC18A3-related disorder. Also called: SLC18A3-related condition.

Submission:

PreventionGenetics, part of Exact Sciences
Classification: Uncertain significance for SLC18A3-related condition. Last evaluated: 2025-11-10. Review status: criteria provided, single submitter. Criteria: ACMG Guidelines, 2015. Collection method: clinical testing. Allele origin: germline.
Comment: The SLC18A3 c.1265C>A variant is predicted to result in the amino acid substitution p.Ala422Asp. To our knowledge, this variant has not been reported in the literature or in a large population database (gnomAD), indicating this variant is rare. At this time, the clinical significance of this variant is uncertain due to the absence of conclusive functional and genetic evidence.